The following is an entry in ClinVar:

ClinVar aggregate classification (germline): Pathogenic (1 of 4 stars; one submission).

Conditions:
Mucopolysaccharidosis, MPS-II (MPS2). Also called: Hunter Syndrome; IDURONATE 2-SULFATASE DEFICIENCY; Mucopolysaccharidosis Type II; Mucopolysaccharidosis type 2; Attenuated MPS (subtype; formerly known as mild MPS II); Severe MPS II. Identifiers: Orphanet 580, Orphanet 79388, MedGen C0026705, MONDO:0010674, OMIM 309900.

Submission:

Laboratory of Diagnosis and Therapy of Lysosomal Disorders, University of Padova
Classification: Pathogenic for Mucopolysaccharidosis, MPS-II. Last evaluated: 2024-06-07. Review status: criteria provided, single submitter. Criteria: ACMG Guidelines, 2015. Collection method: literature only. Allele origin: germline. Affected: yes. Observed: 1 variant allele.
Comment: Null variant (PVS1_Strong), Absent from controls (or at low frequency) in gnomAD database (PM2_Moderate), Patient’s phenotype or family history highly specific for the disease (PP4_Strong)

Classification method: ACMG Guidelines [PMID:25741868] with modifications

Literature cited by the submitters: PubMed 22976768.

NM_000202.8(IDS):c.1377del (p.Glu459fs)

Gene: IDS (iduronate 2-sulfatase; minus strand). Cytogenetic location: Xq28.
Variant type: Deletion.
Coding change: c.1377del on transcript NM_000202.8 (MANE Select); coding-DNA position 1377, one base deleted (A; older notation c.1377delA).
Protein change: p.Glu459fs; shifts the reading frame from glutamic acid 459.
Molecular consequence: frameshift variant.
Genome position (GRCh38, 1-based): chrX:149,483,022, T deleted on the plus strand (A on the coding strand, the reverse complement: IDS is on the minus strand); the first of 2 consecutive T bases (chrX:149,483,022-149,483,023); deleting either gives the same sequence. VCF-style (leftmost placement, unchanged base first): chrX-149483021-GT-G. GRCh37 (hg19) VCF-style: chrX-148564552-GT-G.
Other names: c.1107del, p.Glu369fs (NM_001166550.4); short protein forms E369fs, E459fs.
Identifiers: ClinVar variation 3256038 (VCV003256038.2).